The following is an entry in ClinVar:

NM_001165963.4(SCN1A):c.1910C>T (p.Ala637Val)

Gene: SCN1A (sodium voltage-gated channel alpha subunit 1; minus strand). Cytogenetic location: 2q24.3.
Variant type: single nucleotide variant.
Coding change: c.1910C>T on transcript NM_001165963.4 (MANE Select); coding-DNA position 1910, C replaced by T.
Protein change: p.Ala637Val; replaces alanine 637 with valine.
Molecular consequence: missense variant. On other transcripts: 5 prime UTR variant (1), non-coding transcript variant (1).
Genome position (GRCh38, 1-based): chr2:166,043,802, G>A on the plus strand (C>T on the coding strand, the complement: SCN1A is on the minus strand). VCF-style: chr2-166043802-G-A. GRCh37 (hg19) VCF-style: chr2-166900312-G-A.
Other names: c.1910C>T, p.Ala637Val (NM_001165964.3, NM_001202435.3, NM_001353948.2 and 7 more transcripts); c.1907C>T, p.Ala636Val (NM_001353954.2, NM_001353955.2, NM_001353960.2); c.-516C>T (NM_001353961.2); short protein forms A637V, A636V.
Identifiers: ClinVar variation 461247 (VCV000461247.39), dbSNP rs1266240114, ClinGen allele CA349067313.

ClinVar aggregate classification (germline): Conflicting classifications of pathogenicity. Review status: criteria provided, conflicting classifications (1 of 4 stars). 6 submissions from 6 submitters: Uncertain significance (3); Likely benign (1). 2 of the submissions do not count toward it. Last evaluated 2025-10-02.

Conditions:
Early-infantile DEE. Also called: Early infantile epileptic encephalopathy; Ohtahara syndrome; Early infantile epileptic encephalopathy with suppression bursts. Identifiers: Orphanet 1934, MedGen C0393706, MONDO:0800491.

Allele frequency attached by ClinVar (database versions not stated): gnomAD exomes below 0.00001; TOPMed below 0.00001; gnomAD 0.00001.
gnomAD v4.1: 9 of 1,613,976 alleles (0.00056%); highest among the groups gnomAD compares: African/African-American, 0.0013%; no homozygotes.

Submissions (6):

Labcorp Genetics (formerly Invitae), Labcorp
Classification: Likely benign for Early-infantile DEE. Last evaluated: 2025-10-02. Review status: criteria provided, single submitter. Criteria: Invitae Variant Classification Sherloc (09022015). Collection method: clinical testing. Allele origin: germline.

GeneDx
Classification: Uncertain significance. Last evaluated: 2024-04-11. Review status: criteria provided, single submitter. Criteria: GeneDx Variant Classification Process June 2021. Collection method: clinical testing. Allele origin: germline. Affected: yes.
Comment: In silico analysis indicates that this missense variant does not alter protein structure/function; Has not been previously published as pathogenic or benign to our knowledge; This substitution is predicted to be in the cytoplasmic loop between the first and second homologous domains

CeGaT Center for Human Genetics Tuebingen
Classification: Uncertain significance. Last evaluated: 2022-09-01. Review status: criteria provided, single submitter. Criteria: CeGaT Center For Human Genetics Tuebingen Variant Classification Criteria Version 2. Collection method: clinical testing. Allele origin: germline. Affected: yes. Observed: 1 variant allele.
Comment: SCN1A: PP2, BP4

Revvity Omics, Revvity
Classification: Uncertain significance. Last evaluated: 2019-02-08. Review status: criteria provided, single submitter. Criteria: ACMG Guidelines, 2015. Collection method: clinical testing. Allele origin: germline.

Clinical Genetics DNA and cytogenetics Diagnostics Lab, Erasmus MC, Erasmus Medical Center
Classification: Likely benign. Review status: no assertion criteria provided. Collection method: clinical testing. Allele origin: germline. Affected: yes. Study: VKGL Data-share Consensus. Not counted in ClinVar's aggregate classification.

Genome Diagnostics Laboratory, University Medical Center Utrecht
Classification: Likely benign. Review status: no assertion criteria provided. Collection method: clinical testing. Allele origin: germline. Affected: yes. Study: VKGL Data-share Consensus. Not counted in ClinVar's aggregate classification.